The following is an entry in ClinVar:

ClinVar aggregate classification (germline): Uncertain significance (1 of 4 stars; one submission).

Conditions:
Congenital sensory neuropathy with selective loss of small myelinated fibers (HSAN5). Also called: HSAN Type V. Identifiers: Orphanet 64752, MedGen C0020075, MONDO:0012092, OMIM 608654.

Allele frequency attached by ClinVar (database versions not stated): gnomAD exomes below 0.00001; ExAC 0.00001; ESP Exome Variant Server 0.00008.

Submission:

Labcorp Genetics (formerly Invitae), Labcorp
Classification: Uncertain significance for Congenital sensory neuropathy with selective loss of small myelinated fibers. Last evaluated: 2023-10-13. Review status: criteria provided, single submitter. Criteria: Invitae Variant Classification Sherloc (09022015). Collection method: clinical testing. Allele origin: germline.
Comment: This sequence change replaces glutamic acid, which is acidic and polar, with lysine, which is basic and polar, at codon 156 of the NGF protein (p.Glu156Lys). This variant is present in population databases (rs369927492, gnomAD 0.0009%). This variant has not been reported in the literature in individuals affected with NGF-related conditions. ClinVar contains an entry for this variant (Variation ID: 949043). Advanced modeling of protein sequence and biophysical properties (such as structural, functional, and spatial information, amino acid conservation, physicochemical variation, residue mobility, and thermodynamic stability) performed at Invitae indicates that this missense variant is not expected to disrupt NGF protein function. In summary, the available evidence is currently insufficient to determine the role of this variant in disease. Therefore, it has been classified as a Variant of Uncertain Significance.

NM_002506.3(NGF):c.466G>A (p.Glu156Lys)

Genes: NGF (nerve growth factor; minus strand), NGF-AS1 (NGF antisense RNA 1; plus strand). Cytogenetic location: 1p13.2.
Variant type: single nucleotide variant.
Coding change: c.466G>A on transcript NM_002506.3 (MANE Select); coding-DNA position 466, G replaced by A.
Protein change: p.Glu156Lys; replaces glutamic acid 156 with lysine.
Molecular consequence: missense variant.
Genome position (GRCh38, 1-based): chr1:115,286,330, C>T on the plus strand (G>A on the coding strand, the complement: NGF is on the minus strand). VCF-style: chr1-115286330-C-T. GRCh37 (hg19) VCF-style: chr1-115828951-C-T.
Other names: short protein forms E156K.
Identifiers: ClinVar variation 949043 (VCV000949043.9), dbSNP rs369927492, ClinGen allele CA1022967.